The following is an entry in ClinVar:

NM_001110556.2(FLNA):c.84G>C (p.Met28Ile)

Gene: FLNA (filamin A; minus strand). Cytogenetic location: Xq28.
Variant type: single nucleotide variant.
Coding change: c.84G>C on transcript NM_001110556.2 (MANE Select); coding-DNA position 84, G replaced by C.
Protein change: p.Met28Ile; replaces methionine 28 with isoleucine.
Molecular consequence: missense variant.
Genome position (GRCh38, 1-based): chrX:154,371,162, C>G on the plus strand (G>C on the coding strand, the complement: FLNA is on the minus strand). VCF-style: chrX-154371162-C-G. GRCh37 (hg19) VCF-style: chrX-153599530-C-G.
Other names: c.84G>C, p.Met28Ile (NM_001456.4); short protein forms M28I.
Identifiers: ClinVar variation 641298 (VCV000641298.10), dbSNP rs1603363939, ClinGen allele CA415255639.

ClinVar aggregate classification (germline): Uncertain significance (1 of 4 stars; one submission).

Conditions:
Heterotopia, periventricular, X-linked dominant (PVNH1). Also called: PERIVENTRICULAR NODULAR HETEROTOPIA 4; HETEROTOPIA, PERIVENTRICULAR, 1; PERIVENTRICULAR NODULAR HETEROTOPIA 1; X-linked periventricular heterotopia. Identifiers: Orphanet 2149, Orphanet 82004, MedGen C1848213, MONDO:0010233, OMIM 300049.
Oto-palato-digital syndrome, type II (OPD2). Also called: Otopalatodigital Syndrome, Type II; FACIOPALATOOSSEOUS SYNDROME; OPD II SYNDROME; Otopalatodigital Syndrome Type 2 (FLNA-OPD2). Identifiers: Orphanet 669, Orphanet 90652, MedGen C1844696, MONDO:0010571, OMIM 304120.
Melnick-Needles syndrome (MNS). Also called: MELNICK-NEEDLES OSTEODYSPLASTY; OSTEODYSPLASTY OF MELNICK AND NEEDLES; Melnick-Needles Syndrome (FLNA-MNS). Identifiers: Orphanet 2484, MedGen C0025237, MONDO:0010650, OMIM 309350.
Frontometaphyseal dysplasia (FMD1). Identifiers: Orphanet 1826, MedGen C0265293, MONDO:0015942.

Submission:

Labcorp Genetics (formerly Invitae), Labcorp
Classification: Uncertain significance for Oto-palato-digital syndrome, type II; Heterotopia, periventricular, X-linked dominant; Frontometaphyseal dysplasia; Melnick-Needles syndrome. Last evaluated: 2018-12-24. Review status: criteria provided, single submitter. Criteria: Invitae Variant Classification Sherloc (09022015). Collection method: clinical testing. Allele origin: germline.
Comment: This variant is not present in population databases (ExAC no frequency). This sequence change replaces methionine with isoleucine at codon 28 of the FLNA protein (p.Met28Ile). The methionine residue is highly conserved and there is a small physicochemical difference between methionine and isoleucine. This variant has not been reported in the literature in individuals with FLNA-related conditions. Algorithms developed to predict the effect of missense changes on protein structure and function are either unavailable or do not agree on the potential impact of this missense change (SIFT: "Deleterious"; PolyPhen-2: "Benign"; Align-GVGD: "Class C0"). In summary, the available evidence is currently insufficient to determine the role of this variant in disease. Therefore, it has been classified as a Variant of Uncertain Significance.